The following is an entry in ClinVar:

NM_000163.5(GHR):c.451C>T (p.Pro151Ser)

Gene: GHR (growth hormone receptor; plus strand). Cytogenetic location: 5p12.
Variant type: single nucleotide variant.
Coding change: c.451C>T on transcript NM_000163.5 (MANE Select); coding-DNA position 451, C replaced by T.
Protein change: p.Pro151Ser; replaces proline 151 with serine.
Molecular consequence: missense variant.
Genome position (GRCh38, 1-based): chr5:42,699,835, C>T. VCF-style: chr5-42699835-C-T. GRCh37 (hg19) VCF-style: chr5-42699937-C-T.
Other names: c.472C>T, p.Pro158Ser (NM_001242399.2); c.451C>T, p.Pro151Ser (NM_001242400.2, NM_001242401.4, NM_001242402.2 and 5 more transcripts); c.385C>T, p.Pro129Ser (NM_001242460.2); short protein forms P129S, P158S, P151S.
Identifiers: ClinVar variation 1416291 (VCV001416291.9), dbSNP rs201394505, ClinGen allele CA3254414.

ClinVar aggregate classification (germline): Uncertain significance. Review status: criteria provided, multiple submitters, no conflicts (2 of 4 stars). 3 submissions from 3 submitters: Uncertain significance (3). Last evaluated 2026-06-16.

Conditions:
Inborn genetic diseases. Identifiers: MedGen C0950123, MeSH D030342.

Allele frequency attached by ClinVar (database versions not stated): gnomAD 0.00005 and 0.00006; ESP Exome Variant Server 0.00008; TOPMed 0.00005; ExAC 0.00012.

Submissions (3):

Women's Health and Genetics/Laboratory Corporation of America, LabCorp
Classification: Uncertain significance. Last evaluated: 2026-06-16. Review status: criteria provided, single submitter. Criteria: LabCorp Variant Classification Summary - May 2015. Collection method: clinical testing. Allele origin: germline.
Comment: Variant summary: GHR c.451C>T (p.Pro151Ser) results in a non-conservative amino acid change in the encoded protein sequence. Algorithms developed to predict the effect of missense changes on protein structure and function all suggest that this variant is likely to be disruptive. The variant allele was found at a frequency of 9.2e-05 in 251072 control chromosomes. This frequency is not significantly higher than estimated for disease-causing variants in GHR, allowing no conclusion about variant significance. To our knowledge, no occurrence of c.451C>T in individuals affected with GHR-related conditions and no experimental evidence demonstrating its impact on protein function have been reported. ClinVar contains an entry for this variant (Variation ID: 1416291). Based on the evidence outlined above, the variant was classified as uncertain significance.

Labcorp Genetics (formerly Invitae), Labcorp
Classification: Uncertain significance. Last evaluated: 2025-12-17. Review status: criteria provided, single submitter. Criteria: Invitae Variant Classification Sherloc (09022015). Collection method: clinical testing. Allele origin: germline.
Comment: This sequence change replaces proline, which is neutral and non-polar, with serine, which is neutral and polar, at codon 151 of the GHR protein (p.Pro151Ser). This variant is present in population databases (rs201394505, gnomAD 0.02%). This variant has not been reported in the literature in individuals affected with GHR-related conditions. ClinVar contains an entry for this variant (Variation ID: 1416291). Invitae Evidence Modeling of protein sequence and biophysical properties (such as structural, functional, and spatial information, amino acid conservation, physicochemical variation, residue mobility, and thermodynamic stability) has been performed for this missense variant. However, the output from this modeling did not meet the statistical confidence thresholds required to predict the impact of this variant on GHR protein function. In summary, the available evidence is currently insufficient to determine the role of this variant in disease. Therefore, it has been classified as a Variant of Uncertain Significance.

Ambry Genetics
Classification: Uncertain significance for Inborn genetic diseases. Last evaluated: 2025-08-21. Review status: criteria provided, single submitter. Criteria: Ambry Variant Classification Scheme 2023. Collection method: clinical testing. Allele origin: germline.